The following is an entry in ClinVar:

NM_005560.6(LAMA5):c.4311A>T (p.Pro1437=)

Gene: LAMA5 (laminin subunit alpha 5; minus strand). Cytogenetic location: 20q13.33.
Variant type: single nucleotide variant.
Coding change: c.4311A>T on transcript NM_005560.6 (MANE Select); coding-DNA position 4311, A replaced by T.
Protein change: p.Pro1437=; no amino-acid change (proline 1437 retained).
Molecular consequence: synonymous variant.
Genome position (GRCh38, 1-based): chr20:62,328,980, T>A on the plus strand (A>T on the coding strand, the complement: LAMA5 is on the minus strand). VCF-style: chr20-62328980-T-A. GRCh37 (hg19) VCF-style: chr20-60904036-T-A.
Identifiers: ClinVar variation 779047 (VCV000779047.34), dbSNP rs151096227, ClinGen allele CA9942644.

ClinVar aggregate classification (germline): Benign/Likely benign. Review status: criteria provided, multiple submitters, no conflicts (2 of 4 stars). 4 submissions from 4 submitters: Benign (1); Likely benign (2). 1 of the submissions does not count toward it. Last evaluated 2026-05-01.

Conditions:
LAMA5-related disorder. Also called: LAMA5-Related Disorders; LAMA5-related condition.

Allele frequency attached by ClinVar (database versions not stated): 1000 Genomes Project 0.00140; gnomAD 0.00159; ESP Exome Variant Server 0.00162; 1000 Genomes Project 30x 0.00172; TOPMed 0.00206.
gnomAD v4.1: 2,746 of 1,612,596 alleles (0.17%); highest among the groups gnomAD compares: Admixed American, 0.46%; 5 homozygotes.

Submissions (4):

CeGaT Center for Human Genetics Tuebingen
Classification: Likely benign. Last evaluated: 2026-05-01. Review status: criteria provided, single submitter. Criteria: CeGaT Center For Human Genetics Tuebingen Variant Classification Criteria Version 2. Collection method: clinical testing. Allele origin: germline. Affected: yes. Observed: 4 variant alleles.
Comment: LAMA5: BP4, BP7

Labcorp Genetics (formerly Invitae), Labcorp
Classification: Benign. Last evaluated: 2025-12-21. Review status: criteria provided, single submitter. Criteria: Invitae Variant Classification Sherloc (09022015). Collection method: clinical testing. Allele origin: germline.

Blueprint Genetics
Classification: Likely benign. Last evaluated: 2024-11-21. Review status: criteria provided, single submitter. Criteria: ACMG Guidelines, 2015. Collection method: clinical testing. Allele origin: germline.

PreventionGenetics, part of Exact Sciences
Classification: Likely benign for LAMA5-related condition. Last evaluated: 2019-12-17. Review status: no assertion criteria provided. Collection method: clinical testing. Allele origin: germline. Not counted in ClinVar's aggregate classification.
Comment: This variant is classified as likely benign based on ACMG/AMP sequence variant interpretation guidelines (Richards et al. 2015 PMID: 25741868, with internal and published modifications).